The following is an entry in ClinVar:

NM_000153.4(GALC):c.1670+204T>C

Gene: GALC (galactosylceramidase; minus strand). Cytogenetic location: 14q31.3.
Variant type: single nucleotide variant.
Coding change: c.1670+204T>C on transcript NM_000153.4 (MANE Select); 204 bases into the intron after coding-DNA position 1670, T replaced by C.
Molecular consequence: intron variant.
Genome position (GRCh38, 1-based): chr14:87,945,349, A>G on the plus strand (T>C on the coding strand, the complement: GALC is on the minus strand). VCF-style: chr14-87945349-A-G. GRCh37 (hg19) VCF-style: chr14-88411693-A-G.
Other names: c.1592+204T>C (NM_001201402.2); c.1601+204T>C (NM_001201401.2).
Identifiers: ClinVar variation 680304 (VCV000680304.1), dbSNP rs430536, ClinGen allele CA264683487.

ClinVar aggregate classification (germline): Benign (1 of 4 stars; one submission).

Allele frequency attached by ClinVar (database versions not stated): 1000 Genomes Project 0.95927; 1000 Genomes Project 30x 0.95956; TOPMed 0.96918; gnomAD 0.97273 and 0.97369.
gnomAD v4.1: 148,172 of 152,144 alleles (97%); highest among the groups gnomAD compares: Non-Finnish European, 100%; 72,250 homozygotes.

Submission:

GeneDx
Classification: Benign. Last evaluated: 2018-06-19. Review status: criteria provided, single submitter. Criteria: GeneDx Variant Classification (06012015). Collection method: clinical testing. Allele origin: germline. Affected: yes.
Comment: This variant is considered likely benign or benign based on one or more of the following criteria: it is a conservative change, it occurs at a poorly conserved position in the protein, it is predicted to be benign by multiple in silico algorithms, and/or has population frequency not consistent with disease.